The following is an entry in ClinVar:

NM_016070.4(MRPS23):c.400C>T (p.Arg134Ter)

Gene: MRPS23 (mitochondrial ribosomal protein S23; minus strand). Cytogenetic location: 17q22.
Variant type: single nucleotide variant.
Coding change: c.400C>T on transcript NM_016070.4 (MANE Select); coding-DNA position 400, C replaced by T.
Protein change: p.Arg134Ter; replaces arginine 134 with a stop codon.
Molecular consequence: nonsense.
Genome position (GRCh38, 1-based): chr17:57,840,946, G>A on the plus strand (C>T on the coding strand, the complement: MRPS23 is on the minus strand). VCF-style: chr17-57840946-G-A. GRCh37 (hg19) VCF-style: chr17-55918307-G-A.
Other names: short protein forms R134*.
Identifiers: ClinVar variation 2172470 (VCV002172470.3), dbSNP rs137907980, ClinGen allele CA8666717.

ClinVar aggregate classification (germline): Uncertain significance (1 of 4 stars; one submission).

Allele frequency attached by ClinVar (database versions not stated): gnomAD 0.00003; gnomAD exomes 0.00004; TOPMed 0.00005; ESP Exome Variant Server 0.00008; ExAC 0.00009.

Submission:

Labcorp Genetics (formerly Invitae), Labcorp
Classification: Uncertain significance. Last evaluated: 2022-11-28. Review status: criteria provided, single submitter. Criteria: Invitae Variant Classification Sherloc (09022015). Collection method: clinical testing. Allele origin: germline.
Comment: This sequence change creates a premature translational stop signal (p.Arg134*) in the MRPS23 gene. While this is not anticipated to result in nonsense mediated decay, it is expected to disrupt the last 57 amino acid(s) of the MRPS23 protein. This variant is present in population databases (rs137907980, gnomAD 0.06%), and has an allele count higher than expected for a pathogenic variant. This variant has not been reported in the literature in individuals affected with MRPS23-related conditions. In summary, the available evidence is currently insufficient to determine the role of this variant in disease. Therefore, it has been classified as a Variant of Uncertain Significance.